The following is an entry in ClinVar:

NM_001378778.1(MPDZ):c.5584A>G (p.Thr1862Ala)

Gene: MPDZ (multiple PDZ domain crumbs cell polarity complex component; minus strand). Cytogenetic location: 9p23.
Variant type: single nucleotide variant.
Coding change: c.5584A>G on transcript NM_001378778.1 (MANE Select); coding-DNA position 5584, A replaced by G.
Protein change: p.Thr1862Ala; replaces threonine 1862 with alanine.
Molecular consequence: missense variant.
Genome position (GRCh38, 1-based): chr9:13,113,028, T>C on the plus strand (A>G on the coding strand, the complement: MPDZ is on the minus strand). VCF-style: chr9-13113028-T-C. GRCh37 (hg19) VCF-style: chr9-13113027-T-C.
Other names: c.5485A>G, p.Thr1829Ala (NM_001261406.2, NM_001375416.1, NM_001375417.1 and 1 more transcripts); c.5398A>G, p.Thr1800Ala (NM_001261407.2, NM_001375419.1); c.5584A>G, p.Thr1862Ala (NM_001330637.2); c.5683A>G, p.Thr1895Ala (NM_001375413.1); c.5374A>G, p.Thr1792Ala (NM_001375420.1, NM_001375421.1, NM_001375422.1 and 2 more transcripts); c.5287A>G, p.Thr1763Ala (NM_001375425.1, NM_001375426.1); c.5176A>G, p.Thr1726Ala (NM_001375427.1); c.5497A>G, p.Thr1833Ala (NM_003829.5); short protein forms T1862A, T1895A, T1726A, T1833A, T1763A, T1792A, T1800A, T1829A.
Identifiers: ClinVar variation 1383233 (VCV001383233.3), dbSNP rs769199723, ClinGen allele CA4986205.

ClinVar aggregate classification (germline): Uncertain significance (1 of 4 stars; one submission).

Allele frequency attached by ClinVar (database versions not stated): TOPMed below 0.00001; gnomAD 0.00001; gnomAD exomes 0.00001; ExAC 0.00003.
gnomAD v4.1: 4 of 1,586,150 alleles (0.00025%); highest among the groups gnomAD compares: South Asian, 0.0023%; no homozygotes.

Submission:

Labcorp Genetics (formerly Invitae), Labcorp
Classification: Uncertain significance. Last evaluated: 2021-10-21. Review status: criteria provided, single submitter. Criteria: Invitae Variant Classification Sherloc (09022015). Collection method: clinical testing. Allele origin: germline.
Comment: This sequence change replaces threonine with alanine at codon 1833 of the MPDZ protein (p.Thr1833Ala). The threonine residue is highly conserved and there is a small physicochemical difference between threonine and alanine. This variant is present in population databases (rs769199723, ExAC 0.01%). This variant has not been reported in the literature in individuals affected with MPDZ-related conditions. Algorithms developed to predict the effect of missense changes on protein structure and function output the following: SIFT: "Deleterious"; PolyPhen-2: "Benign"; Align-GVGD: "Class C55". The alanine amino acid residue is found in multiple mammalian species, which suggests that this missense change does not adversely affect protein function. In summary, the available evidence is currently insufficient to determine the role of this variant in disease. Therefore, it has been classified as a Variant of Uncertain Significance.